The following is an entry in ClinVar:

ClinVar aggregate classification (germline): Uncertain significance. Review status: criteria provided, multiple submitters, no conflicts (2 of 4 stars). 2 submissions from 2 submitters: Uncertain significance (2). Last evaluated 2022-09-01.

Conditions:
Charcot-Marie-Tooth disease dominant intermediate B (CMTDIB). Also called: CHARCOT-MARIE-TOOTH NEUROPATHY, DOMINANT INTERMEDIATE B; Charcot-Marie-Tooth disease dominant intermediate 1; CMT DI1; Charcot-Marie-Tooth disease dominant intermediate I. Identifiers: Orphanet 100044, Orphanet 228179, MedGen C1847902, MONDO:0011674, OMIM 606482.
Limb-girdle muscle weakness. Identifiers: MedGen C1858127, HP:0003325.
Myofibrillar myopathy. Identifiers: Orphanet 593, MedGen C2678065, MONDO:0018943, HP:0003715.

Submissions (2):

Labcorp Genetics (formerly Invitae), Labcorp
Classification: Uncertain significance for Charcot-Marie-Tooth disease dominant intermediate B. Last evaluated: 2022-09-01. Review status: criteria provided, single submitter. Criteria: Invitae Variant Classification Sherloc (09022015). Collection method: clinical testing. Allele origin: germline.
Comment: This sequence change replaces phenylalanine, which is neutral and non-polar, with leucine, which is neutral and non-polar, at codon 317 of the DNM2 protein (p.Phe317Leu). In summary, the available evidence is currently insufficient to determine the role of this variant in disease. Therefore, it has been classified as a Variant of Uncertain Significance. Algorithms developed to predict the effect of missense changes on protein structure and function are either unavailable or do not agree on the potential impact of this missense change (SIFT: "Tolerated"; PolyPhen-2: "Probably Damaging"; Align-GVGD: "Class C0"). ClinVar contains an entry for this variant (Variation ID: 374046). This variant has not been reported in the literature in individuals affected with DNM2-related conditions. This variant is not present in population databases (gnomAD no frequency).

Centre for Mendelian Genomics, University Medical Centre Ljubljana
Classification: Uncertain significance for Limb-girdle muscle weakness; Myofibrillar myopathy. Last evaluated: 2015-01-15. Review status: criteria provided, single submitter. Criteria: ACMG Guidelines, 2015. Collection method: clinical testing. Allele origin: unknown. Affected: yes.

NM_001005361.3(DNM2):c.949T>C (p.Phe317Leu)

Gene: DNM2 (dynamin 2; plus strand). Cytogenetic location: 19p13.2.
Variant type: single nucleotide variant.
Coding change: c.949T>C on transcript NM_001005361.3 (MANE Select); coding-DNA position 949, T replaced by C.
Protein change: p.Phe317Leu; replaces phenylalanine 317 with leucine.
Molecular consequence: missense variant.
Genome position (GRCh38, 1-based): chr19:10,786,663, T>C. VCF-style: chr19-10786663-T-C. GRCh37 (hg19) VCF-style: chr19-10897339-T-C.
Other names: c.949T>C, p.Phe317Leu (NM_001005360.3, NM_001005362.3, NM_001190716.2 and 1 more transcripts); short protein forms F317L.
Identifiers: ClinVar variation 374046 (VCV000374046.9), dbSNP rs1057518858, ClinGen allele CA16043548.
Genomic context (GRCh38, chr19:10,786,663, plus strand): 5'-CGTAGCAAACTACAGAGCCAGCTGCTGTCCCTGGAGAAGGAGGTGGAGGAGTACAAGAAC[T>C]TTCGGCCCGACGACCCCACCCGCAAAACCAAAGCCCTGCTGCAGTATGTACCCCGGCACC-3'
Protein context (NP_001005361.1, residues 307-327): LEKEVEEYKN[Phe317Leu]RPDDPTRKTK